The following is an entry in ClinVar:

NM_000535.7(PMS2):c.87G>A (p.Gly29=)

Gene: PMS2 (PMS1 homolog 2, mismatch repair system component; minus strand). Cytogenetic location: 7p22.1.
Variant type: single nucleotide variant.
Coding change: c.87G>A on transcript NM_000535.7 (MANE Select); coding-DNA position 87, G replaced by A.
Protein change: p.Gly29=; no amino-acid change (glycine 29 retained).
Molecular consequence: synonymous variant. On other transcripts: 5 prime UTR variant (8), non-coding transcript variant (1), intron variant (3).
Genome position (GRCh38, 1-based): chr7:6,005,968, C>T on the plus strand (G>A on the coding strand, the complement: PMS2 is on the minus strand). VCF-style: chr7-6005968-C-T. GRCh37 (hg19) VCF-style: chr7-6045599-C-T.
Other names: c.-319G>A (NM_001322003.2, NM_001322005.2, NM_001322009.2 and 1 more transcripts); c.87G>A, p.Gly29= (NM_001322006.2, NM_001322014.2); c.-129G>A (NM_001322007.2); c.-798G>A (NM_001322011.2, NM_001322012.2); c.-398G>A (NM_001322015.2); c.-52-1910G>A (NM_001322008.2); c.-242-1910G>A (NM_001322010.2, NM_001322004.2).
Identifiers: ClinVar variation 232240 (VCV000232240.21), dbSNP rs876659642, ClinGen allele CA10578730.

ClinVar aggregate classification (germline): Benign/Likely benign. Review status: criteria provided, multiple submitters, no conflicts (2 of 4 stars). 6 submissions from 6 submitters: Benign (1); Likely benign (5). Last evaluated 2025-05-18.

Conditions:
Hereditary nonpolyposis colorectal neoplasms. Identifiers: MedGen C0009405, MeSH D003123.
Lynch syndrome. Identifiers: Orphanet 144, MedGen C4552100, MONDO:0005835. Disease mechanism: loss of function.
Lynch syndrome 4 (LYNCH4). Also called: Colorectal cancer, hereditary nonpolyposis, type 4; Hereditary non-polyposis colorectal cancer, type 4. Identifiers: Orphanet 144, MedGen C1838333, MONDO:0013699, OMIM 614337. Disease mechanism: loss of function.
Hereditary cancer-predisposing syndrome. Also called: Neoplastic Syndromes, Hereditary; Tumor predisposition; Hereditary Cancer Syndrome; Hereditary neoplastic syndrome. Identifiers: Orphanet 140162, MedGen C0027672, MeSH D009386, MONDO:0015356.

Allele frequency attached by ClinVar (database versions not stated): gnomAD 0.00001; TOPMed 0.00001.
gnomAD v4.1: 2 of 1,610,654 alleles (0.00012%); highest among the groups gnomAD compares: Non-Finnish European, 0.00017%; no homozygotes.

Submissions (6):

Labcorp Genetics (formerly Invitae), Labcorp
Classification: Likely benign for Hereditary nonpolyposis colorectal neoplasms. Last evaluated: 2025-05-18. Review status: criteria provided, single submitter. Criteria: Invitae Variant Classification Sherloc (09022015). Collection method: clinical testing. Allele origin: germline.

Myriad Genetics, Inc.
Classification: Benign for Lynch syndrome 4. Last evaluated: 2025-01-23. Review status: criteria provided, single submitter. Criteria: Myriad Autosomal Dominant, Autosomal Recessive and X-Linked Classification Criteria (2023). Collection method: clinical testing. Allele origin: unknown.
Comment: This variant is considered benign. This variant is a silent/synonymous amino acid change and it is not expected to impact splicing.

All of Us Research Program, National Institutes of Health
Classification: Likely benign for Lynch syndrome. Last evaluated: 2023-09-17. Review status: criteria provided, single submitter. Criteria: ACMG Guidelines, 2015. Collection method: clinical testing. Allele origin: germline. Inheritance: Autosomal dominant inheritance. Observed: 1 variant allele, 1 heterozygote.
Comment: This study involves interpretation of variants in research participants for the purpose of population health screening. Participant phenotype was not available at the time of variant classification. Additional details can be found in publication PMID: 35346344, PMCID: PMC8962531

Color Diagnostics, LLC DBA Color Health
Classification: Likely benign for Hereditary cancer-predisposing syndrome. Last evaluated: 2021-08-24. Review status: criteria provided, single submitter. Criteria: ACMG Guidelines, 2015. Collection method: clinical testing. Allele origin: germline.

GeneDx
Classification: Likely benign. Last evaluated: 2016-12-12. Review status: criteria provided, single submitter. Criteria: GeneDx Variant Classification (06012015). Collection method: clinical testing. Allele origin: germline. Affected: yes.
Comment: This variant is considered likely benign or benign based on one or more of the following criteria: it is a conservative change, it occurs at a poorly conserved position in the protein, it is predicted to be benign by multiple in silico algorithms, and/or has population frequency not consistent with disease.

Ambry Genetics
Classification: Likely benign for Hereditary cancer-predisposing syndrome. Last evaluated: 2015-06-08. Review status: criteria provided, single submitter. Criteria: Ambry Variant Classification Scheme 2023. Collection method: clinical testing. Allele origin: germline.